The following is an entry in ClinVar:

NM_005732.4(RAD50):c.2816T>C (p.Ile939Thr)

Gene: RAD50 (RAD50 double strand break repair protein; plus strand). Cytogenetic location: 5q31.1.
Variant type: single nucleotide variant.
Coding change: c.2816T>C on transcript NM_005732.4 (MANE Select); coding-DNA position 2816, T replaced by C.
Protein change: p.Ile939Thr; replaces isoleucine 939 with threonine.
Molecular consequence: missense variant.
Genome position (GRCh38, 1-based): chr5:132,608,712, T>C. VCF-style: chr5-132608712-T-C. GRCh37 (hg19) VCF-style: chr5-131944404-T-C.
Other names: short protein forms I939T.
Identifiers: ClinVar variation 230157 (VCV000230157.15), dbSNP rs876658418, ClinGen allele CA10578583.

ClinVar aggregate classification (germline): Uncertain significance. Review status: criteria provided, multiple submitters, no conflicts (2 of 4 stars). 2 submissions from 2 submitters: Uncertain significance (2). Last evaluated 2025-04-28.

Conditions:
Hereditary cancer-predisposing syndrome. Also called: Hereditary neoplastic syndrome; Hereditary Cancer Syndrome; Neoplastic Syndromes, Hereditary; Tumor predisposition. Identifiers: Orphanet 140162, MedGen C0027672, MeSH D009386, MONDO:0015356.

Allele frequency attached by ClinVar (database versions not stated): gnomAD exomes below 0.00001; gnomAD 0.00001; TOPMed 0.00001.
gnomAD v4.1: 2 of 1,583,620 alleles (0.00013%); highest among the groups gnomAD compares: Non-Finnish European, 0.00017%; no homozygotes.

Submissions (2):

Ambry Genetics
Classification: Uncertain significance for Hereditary cancer-predisposing syndrome. Last evaluated: 2025-04-28. Review status: criteria provided, single submitter. Criteria: Ambry Variant Classification Scheme 2023. Collection method: clinical testing. Allele origin: germline.
Comment: The p.I939T variant (also known as c.2816T>C), located in coding exon 17 of the RAD50 gene, results from a T to C substitution at nucleotide position 2816. The isoleucine at codon 939 is replaced by threonine, an amino acid with similar properties. This amino acid position is not well conserved in available vertebrate species. In addition, this alteration is predicted to be tolerated by in silico analysis. Since supporting evidence is limited at this time, the clinical significance of this alteration remains unclear.

Labcorp Genetics (formerly Invitae), Labcorp
Classification: Uncertain significance for Hereditary cancer-predisposing syndrome. Last evaluated: 2025-04-14. Review status: criteria provided, single submitter. Criteria: Invitae Variant Classification Sherloc (09022015). Collection method: clinical testing. Allele origin: germline.
Comment: This sequence change replaces isoleucine, which is neutral and non-polar, with threonine, which is neutral and polar, at codon 939 of the RAD50 protein (p.Ile939Thr). This variant is not present in population databases (gnomAD no frequency). This variant has not been reported in the literature in individuals affected with RAD50-related conditions. ClinVar contains an entry for this variant (Variation ID: 230157). Invitae Evidence Modeling of protein sequence and biophysical properties (such as structural, functional, and spatial information, amino acid conservation, physicochemical variation, residue mobility, and thermodynamic stability) indicates that this missense variant is not expected to disrupt RAD50 protein function with a negative predictive value of 80%. In summary, the available evidence is currently insufficient to determine the role of this variant in disease. Therefore, it has been classified as a Variant of Uncertain Significance.